The following is an entry in ClinVar:

ClinVar aggregate classification (germline): Uncertain significance. Review status: criteria provided, multiple submitters, no conflicts (2 of 4 stars). 3 submissions from 3 submitters: Uncertain significance (3). Last evaluated 2024-09-21.

Conditions:
Hereditary cancer-predisposing syndrome. Also called: Neoplastic Syndromes, Hereditary; Hereditary Cancer Syndrome; Hereditary neoplastic syndrome; Tumor predisposition. Identifiers: Orphanet 140162, MedGen C0027672, MeSH D009386, MONDO:0015356.
Cardiovascular phenotype. Identifiers: MedGen CN230736.
Neurofibromatosis, type 1 (NF1). Also called: Neurofibromatosis, type I; Peripheral type neurofibromatosis; VON RECKLINGHAUSEN DISEASE; NEUROFIBROMATOSIS, TYPE I, SOMATIC. Identifiers: Orphanet 636, MedGen C0027831, MONDO:0018975, OMIM 162200. Disease mechanism: loss of function.

Submissions (3):

Labcorp Genetics (formerly Invitae), Labcorp
Classification: Uncertain significance for Neurofibromatosis, type 1. Last evaluated: 2024-09-21. Review status: criteria provided, single submitter. Criteria: Invitae Variant Classification Sherloc (09022015). Collection method: clinical testing. Allele origin: germline.
Comment: This sequence change replaces arginine, which is basic and polar, with methionine, which is neutral and non-polar, at codon 2535 of the NF1 protein (p.Arg2535Met). This variant is not present in population databases (gnomAD no frequency). This variant has not been reported in the literature in individuals affected with NF1-related conditions. ClinVar contains an entry for this variant (Variation ID: 827152). Invitae Evidence Modeling of protein sequence and biophysical properties (such as structural, functional, and spatial information, amino acid conservation, physicochemical variation, residue mobility, and thermodynamic stability) has been performed for this missense variant. However, the output from this modeling did not meet the statistical confidence thresholds required to predict the impact of this variant on NF1 protein function. In summary, the available evidence is currently insufficient to determine the role of this variant in disease. Therefore, it has been classified as a Variant of Uncertain Significance.

Genome-Nilou Lab
Classification: Uncertain significance for Neurofibromatosis, type 1. Last evaluated: 2022-03-15. Review status: criteria provided, single submitter. Criteria: ACMG Guidelines, 2015. Collection method: clinical testing. Allele origin: germline. Affected: no.

Ambry Genetics
Classification: Uncertain significance for Cardiovascular phenotype; Hereditary cancer-predisposing syndrome. Last evaluated: 2019-11-11. Review status: criteria provided, single submitter. Criteria: Ambry Variant Classification Scheme 2023. Collection method: clinical testing. Allele origin: germline.
Comment: The p.R2535M variant (also known as c.7604G>T), located in coding exon 51 of the NF1 gene, results from a G to T substitution at nucleotide position 7604. The arginine at codon 2535 is replaced by methionine, an amino acid with similar properties. This amino acid position is highly conserved in available vertebrate species. In addition, the in silico prediction for this alteration is inconclusive. Since supporting evidence is limited at this time, the clinical significance of this alteration remains unclear.

NM_001042492.3(NF1):c.7667G>T (p.Arg2556Met)

Gene: NF1 (neurofibromin 1; plus strand). Cytogenetic location: 17q11.2.
Variant type: single nucleotide variant.
Coding change: c.7667G>T on transcript NM_001042492.3 (MANE Select); coding-DNA position 7667, G replaced by T.
Protein change: p.Arg2556Met; replaces arginine 2556 with methionine.
Molecular consequence: missense variant.
Genome position (GRCh38, 1-based): chr17:31,356,511, G>T. VCF-style: chr17-31356511-G-T. GRCh37 (hg19) VCF-style: chr17-29683529-G-T.
Other names: c.7604G>T, p.Arg2535Met (NM_000267.4); short protein forms R2556M, R2535M.
Identifiers: ClinVar variation 827152 (VCV000827152.12), dbSNP rs1597865787, ClinGen allele CA399018085.